The following is an entry in ClinVar:

ClinVar aggregate classification (germline): Benign. Review status: reviewed by expert panel (3 of 4 stars). 11 submissions from 11 submitters: Benign (1). 10 of the submissions do not count toward it. Last evaluated 2025-06-24.

Conditions:
Sarcoglycanopathy. Identifiers: Orphanet 207052, MedGen C2936331, MONDO:0016140.
Autosomal recessive limb-girdle muscular dystrophy. Identifiers: Orphanet 102015, MedGen C2931907, MONDO:0015152.
Cardiomyopathy (CMYO). Also called: Cardiomyopathies. Identifiers: Orphanet 167848, MedGen C0878544, MONDO:0004994, HP:0001638. Inheritance: Various modes of inheritance.
Autosomal recessive limb-girdle muscular dystrophy type 2D (LGMDR3). Also called: MUSCULAR DYSTROPHY, LIMB-GIRDLE, AUTOSOMAL RECESSIVE 3; ADHALINOPATHY, PRIMARY; DUCHENNE-LIKE AUTOSOMAL RECESSIVE MUSCULAR DYSTROPHY, TYPE 2. Identifiers: Orphanet 62, MedGen C2936332, MONDO:0011968, OMIM 608099. Disease mechanism: Affects gamma-sarcoglycan and also disrupts the integrity of the entire sarcoglycan complex..

Allele frequency attached by ClinVar (database versions not stated): ESP Exome Variant Server 0.00554; gnomAD 0.00555 and 0.00527; TOPMed 0.00565; 1000 Genomes Project 0.00719; gnomAD exomes 0.00062 and 0.00171; 1000 Genomes Project 30x 0.00718; ExAC 0.00206.
gnomAD v4.1: 1,758 of 1,613,124 alleles (0.11%); highest among the groups gnomAD compares: African/African-American, 1.8%; 9 homozygotes.

Submissions (11):

ClinGen Limb Girdle Muscular Dystrophy Variant Curation Expert Panel, ClinGen
Classification: Benign for Autosomal recessive limb-girdle muscular dystrophy. Last evaluated: 2025-06-24. Review status: reviewed by expert panel. Criteria: ClinGen LGMD VCEP ACMG Specifications SGCA V1.0.0. Collection method: curation. Allele origin: germline. Inheritance: Autosomal recessive inheritance.
Comment: The NM_000023.4: c.1120C>T variant in SGCA is a missense variant predicted to cause substitution of arginine by cysteine at amino acid 374, p.(Arg374Cys). The filtering allele frequency of this variant for gnomAD v4.1.0 exomes is 0.01775 (the lower threshold of the 95% CI of 63/33478 African/African American chromosomes), which is higher than the ClinGen LGMD VCEP threshold (>0.002) for BA1, and therefore meets this criterion (BA1). This variant is not located in a splice region, and the SpliceAI score is 0, which suggests it does not impact splicing. The computational predictor REVEL gives a score of 0.39, which is above the LGMD VCEP threshold predicting a benign impact on SGCA function (≤0.1; BP4 not met). In summary, this variant meets the criteria to be classified as Benign for autosomal recessive limb girdle muscular dystrophy based on the ACMG/AMP criteria applied, as specified by the ClinGen LGMD VCEP (LGMD VCEP specifications version 1.0.0; 06/24/2025): BA1.

Labcorp Genetics (formerly Invitae), Labcorp
Classification: Benign for Autosomal recessive limb-girdle muscular dystrophy type 2D. Last evaluated: 2026-02-02. Review status: criteria provided, single submitter. Criteria: Invitae Variant Classification Sherloc (09022015). Collection method: clinical testing. Allele origin: germline. Not counted in ClinVar's aggregate classification.

Blueprint Genetics
Classification: Likely benign. Last evaluated: 2024-11-13. Review status: criteria provided, single submitter. Criteria: ACMG Guidelines, 2015. Collection method: clinical testing. Allele origin: germline. Not counted in ClinVar's aggregate classification.

Athena Diagnostics
Classification: Benign. Last evaluated: 2024-05-20. Review status: criteria provided, single submitter. Criteria: Athena Diagnostics Criteria. Collection method: clinical testing. Allele origin: unknown. Not counted in ClinVar's aggregate classification.

Genome-Nilou Lab
Classification: Benign for Autosomal recessive limb-girdle muscular dystrophy type 2D. Last evaluated: 2023-02-08. Review status: criteria provided, single submitter. Criteria: ACMG Guidelines, 2015. Collection method: clinical testing. Allele origin: germline. Not counted in ClinVar's aggregate classification.

ARUP Laboratories, Molecular Genetics and Genomics, ARUP Laboratories
Classification: Benign for Autosomal recessive limb-girdle muscular dystrophy type 2D. Last evaluated: 2020-03-18. Review status: criteria provided, single submitter. Criteria: ARUP Molecular Germline Variant Investigation Process. Collection method: clinical testing. Allele origin: germline. Not counted in ClinVar's aggregate classification.

GeneDx
Classification: Benign. Last evaluated: 2020-02-11. Review status: criteria provided, single submitter. Criteria: GeneDx Variant Classification Process June 2021. Collection method: clinical testing. Allele origin: germline. Affected: yes. Not counted in ClinVar's aggregate classification.

Center for Advanced Laboratory Medicine, UC San Diego Health, University of California San Diego
Classification: Benign for Cardiomyopathy. Last evaluated: 2018-11-28. Review status: criteria provided, single submitter. Criteria: ACMG Guidelines, 2015. Collection method: clinical testing. Allele origin: germline. Affected: yes. Observed: 1 variant allele. Not counted in ClinVar's aggregate classification.

Illumina Laboratory Services, Illumina
Classification: Benign for Sarcoglycanopathy. Last evaluated: 2018-01-12. Review status: criteria provided, single submitter. Criteria: ICSL Variant Classification Criteria 13 December 2019. Collection method: clinical testing. Allele origin: germline. Not counted in ClinVar's aggregate classification.
Comment: This variant was observed in the ICSL laboratory as part of a predisposition screen in an ostensibly healthy population. It had not been previously curated by ICSL or reported in the Human Gene Mutation Database (HGMD: prior to June 1st, 2018), and was therefore a candidate for classification through an automated scoring system. Utilizing variant allele frequency, disease prevalence and penetrance estimates, and inheritance mode, an automated score was calculated to assess if this variant is too frequent to cause the disease. Based on the score and internal cut-off values, a variant classified as benign is not then subjected to further curation. The score for this variant resulted in a classification of benign for this disease.

Eurofins Ntd Llc (ga)
Classification: Benign. Last evaluated: 2013-12-16. Review status: criteria provided, single submitter. Criteria: EGL Classification Definitions 2015. Collection method: clinical testing. Allele origin: germline. Observed: 1 variant allele, 1 heterozygote. Not counted in ClinVar's aggregate classification.

Natera, Inc.
Classification: Benign for Limb-girdle muscular dystrophy type 2D. Last evaluated: 2019-12-05. Review status: no assertion criteria provided. Collection method: clinical testing. Allele origin: germline. Not counted in ClinVar's aggregate classification.

NM_000023.4(SGCA):c.1120C>T (p.Arg374Cys)

Gene: SGCA (sarcoglycan alpha; plus strand). Cytogenetic location: 17q21.33.
Variant type: single nucleotide variant.
Coding change: c.1120C>T on transcript NM_000023.4 (MANE Select); coding-DNA position 1120, C replaced by T.
Protein change: p.Arg374Cys; replaces arginine 374 with cysteine.
Molecular consequence: missense variant. On other transcripts: non-coding transcript variant (1).
Genome position (GRCh38, 1-based): chr17:50,175,393, C>T. VCF-style: chr17-50175393-C-T. GRCh37 (hg19) VCF-style: chr17-48252754-C-T.
Other names: NM_000023.4(SGCA):c.1120C>T; c.748C>T, p.Arg250Cys (NM_001135697.3); c.1120C>T (NM_000023.3); short protein forms R374C, R250C.
Identifiers: ClinVar variation 167678 (VCV000167678.75), dbSNP rs35495899, ClinGen allele CA180427.
Genomic context (GRCh38, chr17:50,175,393, plus strand): 5'-CCCCGGCCACTCTCCACCCTGCCCATGTTCAATGTGCACACAGGTGAGCGGCTGCCTCCC[C>T]GCGTGGACAGCGCCCAGGTGCCCCTCATTCTGGACCAGCACTGACAGCCTAGCCAGGTAG-3'
Protein context (NP_000014.1, residues 364-384): NVHTGERLPP[Arg374Cys]VDSAQVPLIL